The following is an entry in ClinVar:

ClinVar aggregate classification (germline): Uncertain significance (1 of 4 stars; one submission).

Conditions:
Muscular dystrophy-dystroglycanopathy (congenital with brain and eye anomalies), type A13. Also called: Muscular dystrophy-dystroglycanopathy (congenital with brain and eye anomalies), type a, 13; WALKER-WARBURG SYNDROME OR MUSCLE-EYE-BRAIN DISEASE, B3GNT1-RELATED. Identifiers: Orphanet 899, MedGen C3809042, MONDO:0014120, OMIM 615287.

Allele frequency attached by ClinVar (database versions not stated): TOPMed below 0.00001.

Submission:

Labcorp Genetics (formerly Invitae), Labcorp
Classification: Uncertain significance for Muscular dystrophy-dystroglycanopathy (congenital with brain and eye anomalies), type A13. Last evaluated: 2021-12-07. Review status: criteria provided, single submitter. Criteria: Invitae Variant Classification Sherloc (09022015). Collection method: clinical testing. Allele origin: germline.
Comment: This sequence change replaces proline, which is neutral and non-polar, with serine, which is neutral and polar, at codon 53 of the B4GAT1 protein (p.Pro53Ser). This variant is not present in population databases (gnomAD no frequency). This variant has not been reported in the literature in individuals affected with B4GAT1-related conditions. ClinVar contains an entry for this variant (Variation ID: 967400). Algorithms developed to predict the effect of missense changes on protein structure and function (SIFT, PolyPhen-2, Align-GVGD) all suggest that this variant is likely to be tolerated. In summary, the available evidence is currently insufficient to determine the role of this variant in disease. Therefore, it has been classified as a Variant of Uncertain Significance.

NM_006876.3(B4GAT1):c.157C>T (p.Pro53Ser)

Gene: B4GAT1 (beta-1,4-glucuronyltransferase 1; minus strand). Cytogenetic location: 11q13.2.
Variant type: single nucleotide variant.
Coding change: c.157C>T on transcript NM_006876.3 (MANE Select); coding-DNA position 157, C replaced by T.
Protein change: p.Pro53Ser; replaces proline 53 with serine.
Molecular consequence: missense variant.
Genome position (GRCh38, 1-based): chr11:66,347,389, G>A on the plus strand (C>T on the coding strand, the complement: B4GAT1 is on the minus strand). VCF-style: chr11-66347389-G-A. GRCh37 (hg19) VCF-style: chr11-66114860-G-A.
Other names: short protein forms P53S.
Identifiers: ClinVar variation 967400 (VCV000967400.3), dbSNP rs1000733603, ClinGen allele CA224043872.
Genomic context (GRCh38, chr11:66,347,389, plus strand): 5'-GGACGCCTCCAGAGGCCAGCGCGGTGCGGAGCTGCGCCTTGACCTGGTCCACGGACCGTG[G>A]GGACGGGGGAAAGAACTCAAAATATTGGTCTTGCTCCTCCTGCCCGTGCAGTCCGGACAG-3'
Protein context (NP_006867.1, residues 43-63): DQYFEFFPPS[Pro53Ser]RSVDQVKAQL